The following is an entry in ClinVar:

ClinVar aggregate classification (germline): Likely benign. Review status: criteria provided, multiple submitters, no conflicts (2 of 4 stars). 2 submissions from 2 submitters: Likely benign (2). Last evaluated 2025-08-29.

Conditions:
Developmental and epileptic encephalopathy, 12 (DEE12). Identifiers: MedGen C3150988, MONDO:0013389, OMIM 613722.

Allele frequency attached by ClinVar (database versions not stated): gnomAD exomes 0.00003.
gnomAD v4.1: 6 of 1,501,082 alleles (0.0004%); highest among the groups gnomAD compares: Admixed American, 0.0098%; no homozygotes.

Submissions (2):

Labcorp Genetics (formerly Invitae), Labcorp
Classification: Likely benign for Developmental and epileptic encephalopathy, 12. Last evaluated: 2025-08-29. Review status: criteria provided, single submitter. Criteria: Invitae Variant Classification Sherloc (09022015). Collection method: clinical testing. Allele origin: germline.

GeneDx
Classification: Likely benign. Last evaluated: 2017-02-09. Review status: criteria provided, single submitter. Criteria: GeneDx Variant Classification (06012015). Collection method: clinical testing. Allele origin: germline. Affected: yes.
Comment: This variant is considered likely benign or benign based on one or more of the following criteria: it is a conservative change, it occurs at a poorly conserved position in the protein, it is predicted to be benign by multiple in silico algorithms, and/or has population frequency not consistent with disease.

NM_007254.4(PNKP):c.1029+20G>T

Gene: PNKP (polynucleotide kinase 3'-phosphatase; minus strand). Cytogenetic location: 19q13.33.
Variant type: single nucleotide variant.
Coding change: c.1029+20G>T on transcript NM_007254.4 (MANE Select); 20 bases into the intron after coding-DNA position 1029, G replaced by T.
Molecular consequence: intron variant.
Genome position (GRCh38, 1-based): chr19:49,862,351, C>A on the plus strand (G>T on the coding strand, the complement: PNKP is on the minus strand). VCF-style: chr19-49862351-C-A. GRCh37 (hg19) VCF-style: chr19-50365608-C-A.
Identifiers: ClinVar variation 507246 (VCV000507246.6), dbSNP rs1239545577, ClinGen allele CA633895306.
Genomic context (GRCh38, chr19:49,862,351, plus strand): 5'-GCGGGGGACACGCGTGAGATGCCGTCCCCATCCCCGGGAGCCCTCCCATCCCCACCCCCA[C>A]CCCCGCCCCAGGGCCTCACCGGATCAAAGGCTGGGAGCTCGAAGCCGGCTGCTGGCCACT-3'